The following is an entry in ClinVar:

NM_001854.4(COL11A1):c.857A>G (p.Glu286Gly)

Gene: COL11A1 (collagen type XI alpha 1 chain; minus strand). Cytogenetic location: 1p21.1.
Variant type: single nucleotide variant.
Coding change: c.857A>G on transcript NM_001854.4 (MANE Select); coding-DNA position 857, A replaced by G.
Protein change: p.Glu286Gly; replaces glutamic acid 286 with glycine.
Molecular consequence: missense variant. On other transcripts: non-coding transcript variant (1), intron variant (2).
Genome position (GRCh38, 1-based): chr1:103,026,256, T>C on the plus strand (A>G on the coding strand, the complement: COL11A1 is on the minus strand). VCF-style: chr1-103026256-T-C. GRCh37 (hg19) VCF-style: chr1-103491812-T-C.
Other names: c.857A>G, p.Glu286Gly (NM_080630.4); c.781-643A>G (NM_001190709.2); c.781-304A>G (NM_080629.3); short protein forms E286G.
Identifiers: ClinVar variation 4085456 (VCV004085456.9).

ClinVar aggregate classification (germline): Uncertain significance. Review status: criteria provided, multiple submitters, no conflicts (2 of 4 stars). 2 submissions from 2 submitters: Uncertain significance (2). Last evaluated 2025-10-11.

Submissions (2):

Labcorp Genetics (formerly Invitae), Labcorp
Classification: Uncertain significance. Last evaluated: 2025-10-11. Review status: criteria provided, single submitter. Criteria: Invitae Variant Classification Sherloc (09022015). Collection method: clinical testing. Allele origin: germline.
Comment: This sequence change replaces glutamic acid, which is acidic and polar, with glycine, which is neutral and non-polar, at codon 286 of the COL11A1 protein (p.Glu286Gly). This variant is not present in population databases (gnomAD no frequency). This variant has not been reported in the literature in individuals affected with COL11A1-related conditions. ClinVar contains an entry for this variant (Variation ID: 4085456). Invitae Evidence Modeling of protein sequence and biophysical properties (such as structural, functional, and spatial information, amino acid conservation, physicochemical variation, residue mobility, and thermodynamic stability) indicates that this missense variant is not expected to disrupt COL11A1 protein function with a negative predictive value of 95%. In summary, the available evidence is currently insufficient to determine the role of this variant in disease. Therefore, it has been classified as a Variant of Uncertain Significance.

CeGaT Center for Human Genetics Tuebingen
Classification: Uncertain significance. Last evaluated: 2025-07-01. Review status: criteria provided, single submitter. Criteria: CeGaT Center For Human Genetics Tuebingen Variant Classification Criteria Version 2. Collection method: clinical testing. Allele origin: germline. Affected: yes. Observed: 1 variant allele.
Comment: COL11A1: PM2, BP4